The following is an entry in ClinVar:

NM_004119.3(FLT3):c.605A>G (p.Gln202Arg)

Gene: FLT3 (fms related receptor tyrosine kinase 3; minus strand). Cytogenetic location: 13q12.2.
Variant type: single nucleotide variant.
Coding change: c.605A>G on transcript NM_004119.3 (MANE Select); coding-DNA position 605, A replaced by G.
Protein change: p.Gln202Arg; replaces glutamine 202 with arginine.
Molecular consequence: missense variant. On other transcripts: non-coding transcript variant (1).
Genome position (GRCh38, 1-based): chr13:28,052,554, T>C on the plus strand (A>G on the coding strand, the complement: FLT3 is on the minus strand). VCF-style: chr13-28052554-T-C. GRCh37 (hg19) VCF-style: chr13-28626691-T-C.
Other names: short protein forms Q202R.
Identifiers: ClinVar variation 134445 (VCV000134445.1), dbSNP rs551777447, ClinGen allele CA159840.
Genomic context (GRCh38, chr13:28,052,554, plus strand): 5'-AAAGGCCAAAAGGAAATTATGAGAATAGCAGCTACCATGGATGTGTCATACCTTTCCCCC[T>C]GTGAATCGCAAAGCACCCATTCCACGATCGGCTCTGGAACGCTCTCAGATATGCAGACCA-3'
Protein context (NP_004110.2, residues 192-212): PIVEWVLCDS[Gln202Arg]GESCKEESPA

ClinVar aggregate classification (germline): not provided (0 of 4 stars; one submission).

Allele frequency attached by ClinVar (database versions not stated): gnomAD 0.00001; gnomAD exomes 0.00001 and 0.00002; TOPMed 0.00001; ExAC 0.00002; 1000 Genomes Project 30x 0.00016; 1000 Genomes Project 0.00020.
gnomAD v4.1: 11 of 1,612,778 alleles (0.00068%); highest among the groups gnomAD compares: East Asian, 0.018%; no homozygotes.

Submission:

ITMI
No classification provided. Condition: AllHighlyPenetrant. Last evaluated: 2013-09-19. Review status: no classification provided. Collection method: reference population. Allele origin: germline.
Comment: Please see associated publication for description of ethnicities

Literature cited by the submitters: PubMed 24728327.